The following is an entry in ClinVar:

NM_000252.3(MTM1):c.490_493dup (p.Thr165fs)

Gene: MTM1 (myotubularin 1; plus strand). Cytogenetic location: Xq28.
Variant type: Microsatellite.
Coding change: c.490_493dup on transcript NM_000252.3 (MANE Select); coding-DNA positions 490 to 493, 4 bases duplicated (TGGA; older notation c.490_493dupTGGA).
Protein change: p.Thr165fs; shifts the reading frame from threonine 165.
Molecular consequence: frameshift variant.
Genome position (GRCh38, 1-based): chrX:150,638,988-150,638,991, TGGA duplicated; duplicating any 4 consecutive bases within chrX:150,638,980-150,638,991 gives the same sequence; the c. name uses the placement nearest the transcript's 3' end. VCF-style (leftmost placement, unchanged base first): chrX-150638979-G-GTGGA. GRCh37 (hg19) VCF-style: chrX-149807452-G-GTGGA.
Other names: c.482_485TGGA[4], p.Thr165Metfs (NM_000252.2); c.490_493dup, p.Thr165fs (NM_001376906.1, NM_001376908.1); c.379_382dup, p.Thr128fs (NM_001376907.1); c.490_493dupTGGA (NM_000252.2); short protein forms T128fs, T165fs.
Identifiers: ClinVar variation 3052675 (VCV003052675.2), dbSNP rs1603184989, ClinGen allele CA2740090141.

ClinVar aggregate classification (germline): Pathogenic (0 of 4 stars; one submission).

Conditions:
MTM1-related disorder. Also called: MTM1-related condition.

Submission:

PreventionGenetics, part of Exact Sciences
Classification: Pathogenic for MTM1-related condition. Last evaluated: 2024-02-21. Review status: no assertion criteria provided. Collection method: clinical testing. Allele origin: germline.
Comment: The MTM1 c.490_493dupTGGA variant is predicted to result in a frameshift and premature protein termination (p.Thr165Metfs*26). To our knowledge, this variant has not been reported in the literature or in a large population database, indicating this variant is rare. Frameshift variants in MTM1 are expected to be pathogenic. This variant is interpreted as pathogenic.